The following is an entry in ClinVar:

NM_005477.3(HCN4):c.1613T>C (p.Met538Thr)

Gene: HCN4 (hyperpolarization activated cyclic nucleotide gated potassium channel 4; minus strand). Cytogenetic location: 15q24.1.
Variant type: single nucleotide variant.
Coding change: c.1613T>C on transcript NM_005477.3 (MANE Select); coding-DNA position 1613, T replaced by C.
Protein change: p.Met538Thr; replaces methionine 538 with threonine.
Molecular consequence: missense variant.
Genome position (GRCh38, 1-based): chr15:73,325,422, A>G on the plus strand (T>C on the coding strand, the complement: HCN4 is on the minus strand). VCF-style: chr15-73325422-A-G. GRCh37 (hg19) VCF-style: chr15-73617763-A-G.
Other names: short protein forms M538T.
Identifiers: ClinVar variation 4269229 (VCV004269229.1).

ClinVar aggregate classification (germline): Uncertain significance (1 of 4 stars; one submission).

Conditions:
Cardiovascular phenotype. Identifiers: MedGen CN230736.

gnomAD v4.1: 1 of 1,614,118 alleles (0.000062%); highest among the groups gnomAD compares: Non-Finnish European, 0.000085%; no homozygotes.

Submission:

Ambry Genetics
Classification: Uncertain significance for Cardiovascular phenotype. Last evaluated: 2025-07-28. Review status: criteria provided, single submitter. Criteria: Ambry Variant Classification Scheme 2023. Collection method: clinical testing. Allele origin: germline.
Comment: The p.M538T variant (also known as c.1613T>C), located in coding exon 5 of the HCN4 gene, results from a T to C substitution at nucleotide position 1613. The methionine at codon 538 is replaced by threonine, an amino acid with similar properties. This amino acid position is conserved. In addition, this alteration is predicted to be deleterious by in silico analysis. Based on the available evidence, the clinical significance of this variant remains unclear.